The following is an entry in ClinVar:

NM_133261.3(GIPC3):c.593-6C>T

Gene: GIPC3 (GIPC PDZ domain containing family member 3; plus strand). Cytogenetic location: 19p13.3.
Variant type: single nucleotide variant.
Coding change: c.593-6C>T on transcript NM_133261.3 (MANE Select); 6 bases into the intron before coding-DNA position 593, C replaced by T.
Molecular consequence: intron variant.
Genome position (GRCh38, 1-based): chr19:3,589,437, C>T. VCF-style: chr19-3589437-C-T. GRCh37 (hg19) VCF-style: chr19-3589435-C-T.
Other names: p.?.
Identifiers: ClinVar variation 46572 (VCV000046572.18), dbSNP rs10426399, ClinGen allele CA138641.

ClinVar aggregate classification (germline): Benign. Review status: criteria provided, multiple submitters, no conflicts (2 of 4 stars). 7 submissions from 7 submitters: Benign (7). Last evaluated 2026-02-03.

Allele frequency attached by ClinVar (database versions not stated): 1000 Genomes Project 30x 0.21658; ESP Exome Variant Server 0.23220; gnomAD 0.21701 and 0.20879; TOPMed 0.21737; 1000 Genomes Project 0.20447.
gnomAD v4.1: 208,505 of 1,608,168 alleles (13%); highest among the groups gnomAD compares: African/African-American, 47%; 18,883 homozygotes.

Submissions (7):

Labcorp Genetics (formerly Invitae), Labcorp
Classification: Benign. Last evaluated: 2026-02-03. Review status: criteria provided, single submitter. Criteria: Invitae Variant Classification Sherloc (09022015). Collection method: clinical testing. Allele origin: germline.

Mayo Clinic Laboratories, Mayo Clinic
Classification: Benign. Last evaluated: 2020-10-20. Review status: criteria provided, single submitter. Criteria: ACMG Guidelines, 2015. Collection method: clinical testing. Allele origin: germline. Observed: 35 variant alleles.

GeneDx
Classification: Benign. Last evaluated: 2017-05-09. Review status: criteria provided, single submitter. Criteria: GeneDx Variant Classification (06012015). Collection method: clinical testing. Allele origin: germline. Affected: yes.
Comment: This variant is considered likely benign or benign based on one or more of the following criteria: it is a conservative change, it occurs at a poorly conserved position in the protein, it is predicted to be benign by multiple in silico algorithms, and/or has population frequency not consistent with disease.

Eurofins Ntd Llc (ga)
Classification: Benign. Last evaluated: 2016-03-21. Review status: criteria provided, single submitter. Criteria: EGL Classification Definitions 2015. Collection method: clinical testing. Allele origin: germline. Observed: 1 variant allele, 1 heterozygote.

Laboratory for Molecular Medicine, Mass General Brigham Personalized Medicine
Classification: Benign. Last evaluated: 2012-05-07. Review status: criteria provided, single submitter. Criteria: LMM Criteria. Collection method: clinical testing. Allele origin: germline. Observed: 368 variant alleles.
Comment: 593-6C>T in Intron 03 of GIPC3: This variant is not expected to have clinical si gnificance because it has been identified in 44.6% (1667/3738) of African Americ an chromosomes from a broad population by the NHLBI Exome Sequencing Project (dbSNP rs10426399).

Breakthrough Genomics
Classification: Benign. Review status: criteria provided, single submitter. Criteria: ACMG Guidelines, 2015. Collection method: not provided. Allele origin: germline. Inheritance: Autosomal recessive inheritance. Affected: yes.

PreventionGenetics, part of Exact Sciences
Classification: Benign. Review status: criteria provided, single submitter. Criteria: ACMG Guidelines, 2015. Collection method: clinical testing. Allele origin: germline.